The following is an entry in ClinVar:

ClinVar aggregate classification (germline): Likely benign (1 of 4 stars; one submission).

Allele frequency attached by ClinVar (database versions not stated): 1000 Genomes Project 0.01166; 1000 Genomes Project 30x 0.01228; gnomAD 0.01256 and 0.01327; TOPMed 0.01490.
gnomAD v4.1: 1,372 of 110,736 alleles (1.2%); highest among the groups gnomAD compares: African/African-American, 4.3%; 29 homozygotes.

Submission:

GeneDx
Classification: Likely benign. Last evaluated: 2018-06-14. Review status: criteria provided, single submitter. Criteria: GeneDx Variant Classification (06012015). Collection method: clinical testing. Allele origin: germline. Affected: yes.
Comment: This variant is considered likely benign or benign based on one or more of the following criteria: it is a conservative change, it occurs at a poorly conserved position in the protein, it is predicted to be benign by multiple in silico algorithms, and/or has population frequency not consistent with disease.

NM_004006.3(DMD):c.3787-991C>T

Gene: DMD (dystrophin; minus strand). Cytogenetic location: Xp21.1.
Variant type: single nucleotide variant.
Coding change: c.3787-991C>T on transcript NM_004006.3 (MANE Select); 991 bases into the intron before coding-DNA position 3787, C replaced by T.
Molecular consequence: intron variant.
Genome position (GRCh38, 1-based): chrX:32,442,305, G>A on the plus strand (C>T on the coding strand, the complement: DMD is on the minus strand). VCF-style: chrX-32442305-G-A. GRCh37 (hg19) VCF-style: chrX-32460422-G-A.
Other names: c.3763-991C>T (NM_000109.4); c.3775-991C>T (NM_004009.3); c.3418-991C>T (NM_004010.3).
Identifiers: ClinVar variation 679606 (VCV000679606.1), dbSNP rs138151222, ClinGen allele CA328028053.